The following is an entry in ClinVar:

ClinVar aggregate classification (germline): Uncertain significance (0 of 4 stars; one submission).

Conditions:
SIM1-related disorder. Also called: SIM1-related condition; SIM1-related disorders.

gnomAD v4.1: 2 of 1,613,886 alleles (0.00012%); highest among the groups gnomAD compares: Non-Finnish European, 0.00017%; no homozygotes.

Submission:

PreventionGenetics, part of Exact Sciences
Classification: Uncertain significance for SIM1-related condition. Last evaluated: 2024-09-23. Review status: no assertion criteria provided. Collection method: clinical testing. Allele origin: germline.
Comment: The SIM1 c.260C>A variant is predicted to result in the amino acid substitution p.Thr87Asn. To our knowledge, this variant has not been reported in the literature. This variant is reported in 0.00088% of alleles in individuals of European (Non-Finnish) descent in gnomAD. At this time, the clinical significance of this variant is uncertain due to the absence of conclusive functional and genetic evidence.

NM_005068.3(SIM1):c.260C>A (p.Thr87Asn)

Gene: SIM1 (SIM bHLH transcription factor 1; minus strand). Cytogenetic location: 6q16.3.
Variant type: single nucleotide variant.
Coding change: c.260C>A on transcript NM_005068.3 (MANE Select); coding-DNA position 260, C replaced by A.
Protein change: p.Thr87Asn; replaces threonine 87 with asparagine.
Molecular consequence: missense variant.
Genome position (GRCh38, 1-based): chr6:100,450,355, G>T on the plus strand (C>A on the coding strand, the complement: SIM1 is on the minus strand). VCF-style: chr6-100450355-G-T. GRCh37 (hg19) VCF-style: chr6-100898231-G-T.
Other names: c.260C>A, p.Thr87Asn (NM_001374769.1); short protein forms T87N.
Identifiers: ClinVar variation 3345360 (VCV003345360.1).